The following is an entry in ClinVar:

ClinVar aggregate classification (germline): Benign. Review status: criteria provided, multiple submitters, no conflicts (2 of 4 stars). 2 submissions from 2 submitters: Benign (2). Last evaluated 2018-01-12.

Conditions:
Farber lipogranulomatosis (FRBRL). Also called: Farber's lipogranulomatosis; Farber's disease; Farber disease; AC DEFICIENCY; ACID CERAMIDASE DEFICIENCY; CERAMIDASE DEFICIENCY. Identifiers: Orphanet 333, MedGen C0268255, MONDO:0009218, OMIM 228000.

Allele frequency attached by ClinVar (database versions not stated): TOPMed 0.02425; 1000 Genomes Project 0.02835; 1000 Genomes Project 30x 0.03154.
gnomAD v4.1: 6,811 of 303,576 alleles (2.2%); highest among the groups gnomAD compares: African/African-American, 4.7%; 108 homozygotes.

Submissions (2):

Illumina Laboratory Services, Illumina
Classification: Benign for Farber lipogranulomatosis. Last evaluated: 2018-01-12. Review status: criteria provided, single submitter. Criteria: ICSL Variant Classification Criteria 13 December 2019. Collection method: clinical testing. Allele origin: germline.
Comment: This variant was observed in the ICSL laboratory as part of a predisposition screen in an ostensibly healthy population. It had not been previously curated by ICSL or reported in the Human Gene Mutation Database (HGMD: prior to June 1st, 2018), and was therefore a candidate for classification through an automated scoring system. Utilizing variant allele frequency, disease prevalence and penetrance estimates, and inheritance mode, an automated score was calculated to assess if this variant is too frequent to cause the disease. Based on the score and internal cut-off values, a variant classified as benign is not then subjected to further curation. The score for this variant resulted in a classification of benign for this disease.

Breakthrough Genomics
Classification: Benign. Review status: criteria provided, single submitter. Criteria: ACMG Guidelines, 2015. Collection method: not provided. Allele origin: germline. Inheritance: Autosomal recessive inheritance. Affected: yes.

NM_177924.5(ASAH1):c.*334G>A

Gene: ASAH1 (N-acylsphingosine amidohydrolase 1; minus strand). Cytogenetic location: 8p22.
Variant type: single nucleotide variant.
Coding change: c.*334G>A on transcript NM_177924.5 (MANE Select); 334 bases downstream of the stop codon, G replaced by A.
Molecular consequence: 3 prime UTR variant.
Genome position (GRCh38, 1-based): chr8:18,057,200, C>T on the plus strand (G>A on the coding strand, the complement: ASAH1 is on the minus strand). VCF-style: chr8-18057200-C-T. GRCh37 (hg19) VCF-style: chr8-17914709-C-T.
Other names: c.*334G>A (NM_001127505.3, NM_001363743.2, NM_004315.6).
Identifiers: ClinVar variation 362364 (VCV000362364.6), dbSNP rs115127411, ClinGen allele CA10627372.
Genomic context (GRCh38, chr8:18,057,200, plus strand): 5'-GAAGAATGTGGAGTGTTTACTGTCCCGTTACTCACACAGACGTGCTGGATTCAACACCCA[C>T]GCTGAATCTCCATTTATTCCACGGAGGTGGAGTTCACCATGGTTCGACTGCCCACCAGAT-3'